The following is an entry in ClinVar:

NM_000260.4(MYO7A):c.424T>C (p.Tyr142His)

Gene: MYO7A (myosin VIIA; plus strand). Cytogenetic location: 11q13.5.
Variant type: single nucleotide variant.
Coding change: c.424T>C on transcript NM_000260.4 (MANE Select); coding-DNA position 424, T replaced by C.
Protein change: p.Tyr142His; replaces tyrosine 142 with histidine.
Molecular consequence: missense variant.
Genome position (GRCh38, 1-based): chr11:77,156,045, T>C. VCF-style: chr11-77156045-T-C. GRCh37 (hg19) VCF-style: chr11-76867091-T-C.
Other names: c.424T>C, p.Tyr142His (NM_001127180.2); c.391T>C, p.Tyr131His (NM_001369365.1); short protein forms Y131H, Y142H.
Identifiers: ClinVar variation 4702040 (VCV004702040.2).

ClinVar aggregate classification (germline): Uncertain significance. Review status: criteria provided, multiple submitters, no conflicts (2 of 4 stars). 2 submissions from 2 submitters: Uncertain significance (2). Last evaluated 2026-01-02.

Conditions:
Usher syndrome type 1 (USH1). Also called: RETINITIS PIGMENTOSA AND CONGENITAL DEAFNESS. Identifiers: Orphanet 231169, Orphanet 886, MedGen C1568247, MONDO:0010168, OMIM 276900.

gnomAD v4.1: 3 of 1,613,972 alleles (0.00019%); highest among the groups gnomAD compares: South Asian, 0.0011%; no homozygotes.

Submissions (2):

Labcorp Genetics (formerly Invitae), Labcorp
Classification: Uncertain significance. Last evaluated: 2026-01-02. Review status: criteria provided, single submitter. Criteria: Invitae Variant Classification Sherloc (09022015). Collection method: clinical testing. Allele origin: germline.
Comment: This sequence change replaces tyrosine, which is neutral and polar, with histidine, which is basic and polar, at codon 142 of the MYO7A protein (p.Tyr142His). This variant is not present in population databases (gnomAD no frequency). This variant has not been reported in the literature in individuals affected with MYO7A-related conditions. Invitae Evidence Modeling of protein sequence and biophysical properties (such as structural, functional, and spatial information, amino acid conservation, physicochemical variation, residue mobility, and thermodynamic stability) indicates that this missense variant is expected to disrupt MYO7A protein function with a positive predictive value of 95%. In summary, the available evidence is currently insufficient to determine the role of this variant in disease. Therefore, it has been classified as a Variant of Uncertain Significance.

Myriad Genetics, Inc.
Classification: Uncertain significance for Usher syndrome type 1. Last evaluated: 2025-09-04. Review status: criteria provided, single submitter. Criteria: Myriad Autosomal Dominant, Autosomal Recessive and X-Linked Classification Criteria (2023). Collection method: clinical testing. Allele origin: unknown.
Comment: NM_000260.3(MYO7A):c.424T>C(Y142H) is a missense variant classified as a variant of uncertain significance in the context of MYO7A-related disorders. Y142H has not been observed in cases with relevant disease. Relevant functional assessments of this variant are not available in the literature. Y142H has not been observed in referenced population frequency databases. In summary, there is insufficient evidence to classify NM_000260.3(MYO7A):c.424T>C(Y142H) as pathogenic or benign. Please note: this variant was assessed in the context of healthy population screening.